The following is an entry in ClinVar:

ClinVar aggregate classification (germline): Uncertain significance (1 of 4 stars; one submission).

Conditions:
Congenital insensitivity to pain-hypohidrosis syndrome. Also called: HSAN VIII; Neuropathy, hereditary sensory and autonomic, type VIII. Identifiers: Orphanet 478664, MedGen C4225308, MONDO:0014662, OMIM 616488.

Allele frequency attached by ClinVar (database versions not stated): gnomAD exomes 0.00001; TOPMed 0.00001.

Submission:

Labcorp Genetics (formerly Invitae), Labcorp
Classification: Uncertain significance for Congenital insensitivity to pain-hypohidrosis syndrome. Last evaluated: 2021-04-27. Review status: criteria provided, single submitter. Criteria: Invitae Variant Classification Sherloc (09022015). Collection method: clinical testing. Allele origin: germline.
Comment: This variant, c.1038_1040del, results in the deletion of 1 amino acid(s) of the PRDM12 protein (p.Leu347del), but otherwise preserves the integrity of the reading frame. The frequency data for this variant in the population databases is considered unreliable, as metrics indicate insufficient coverage at this position in the ExAC database. This variant has not been reported in the literature in individuals with PRDM12-related conditions. Experimental studies and prediction algorithms are not available or were not evaluated, and the functional significance of this variant is currently unknown. In summary, the available evidence is currently insufficient to determine the role of this variant in disease. Therefore, it has been classified as a Variant of Uncertain Significance.

NM_021619.3(PRDM12):c.1038_1040del (p.Leu347del)

Gene: PRDM12 (PR/SET domain 12; plus strand). Cytogenetic location: 9q34.12.
Variant type: Deletion.
Coding change: c.1038_1040del on transcript NM_021619.3 (MANE Select); coding-DNA positions 1038 to 1040, 3 bases deleted (GCT; older notation c.1038_1040delGCT).
Protein change: p.Leu347del; deletes leucine 347.
Molecular consequence: inframe deletion.
Genome position (GRCh38, 1-based): chr9:130,681,603-130,681,605, GCT deleted. VCF-style (leftmost placement, unchanged base first): chr9-130681602-CGCT-C. GRCh37 (hg19) VCF-style: chr9-133556989-CGCT-C.
Other names: short protein forms L347del.
Identifiers: ClinVar variation 1444938 (VCV001444938.7), dbSNP rs1432976326, ClinGen allele CA645567898.